The following is an entry in ClinVar:

ClinVar aggregate classification (germline): Uncertain significance (1 of 4 stars; one submission).

Conditions:
Hereditary cancer-predisposing syndrome. Also called: Neoplastic Syndromes, Hereditary; Tumor predisposition; Hereditary Cancer Syndrome; Hereditary neoplastic syndrome. Identifiers: Orphanet 140162, MedGen C0027672, MeSH D009386, MONDO:0015356.

Submission:

Ambry Genetics
Classification: Uncertain significance for Hereditary cancer-predisposing syndrome. Last evaluated: 2025-10-14. Review status: criteria provided, single submitter. Criteria: Ambry Variant Classification Scheme 2023. Collection method: clinical testing. Allele origin: germline.
Comment: The c.220+5A>C intronic variant results from an A to C substitution 5 nucleotides after coding exon 2 in the APC gene. This nucleotide position is not well conserved in available vertebrate species. In silico splice site analysis for this alteration is inconclusive. Based on the available evidence, the clinical significance of this variant remains unclear.

NM_000038.6(APC):c.220+5A>C

Gene: APC (APC regulator of Wnt signaling pathway; plus strand). Cytogenetic location: 5q22.2.
Variant type: single nucleotide variant.
Coding change: c.220+5A>C on transcript NM_000038.6 (MANE Select); 5 bases into the intron after coding-DNA position 220, A replaced by C.
Molecular consequence: intron variant.
Genome position (GRCh38, 1-based): chr5:112,766,415, A>C. VCF-style: chr5-112766415-A-C. GRCh37 (hg19) VCF-style: chr5-112102112-A-C.
Other names: c.-816+5A>C (NM_001407470.1, NM_001407472.1, NM_001354906.2 and 1 more transcripts); c.220+5A>C (NM_001407447.1, NM_001354895.2, NM_001407456.1 and 16 more transcripts); c.250+5A>C (NM_001407446.1, NM_001354897.2, NM_001354902.2 and 1 more transcripts); c.43+5A>C (NM_001407453.1, NM_001354900.2, NM_001354901.2 and 1 more transcripts); c.145+5A>C (NM_001407451.1, NM_001354898.2, NM_001354904.2).
Identifiers: ClinVar variation 4581137 (VCV004581137.1).